The following is an entry in ClinVar:

NM_004171.4(SLC1A2):c.1422-3C>T

Gene: SLC1A2 (solute carrier family 1 member 2; minus strand). Cytogenetic location: 11p13.
Variant type: single nucleotide variant.
Coding change: c.1422-3C>T on transcript NM_004171.4 (MANE Select); 3 bases into the intron before coding-DNA position 1422, C replaced by T.
Molecular consequence: intron variant.
Genome position (GRCh38, 1-based): chr11:35,265,761, G>A on the plus strand (C>T on the coding strand, the complement: SLC1A2 is on the minus strand). VCF-style: chr11-35265761-G-A. GRCh37 (hg19) VCF-style: chr11-35287308-G-A.
Other names: c.1395-3C>T (NM_001195728.3, NM_001252652.2).
Identifiers: ClinVar variation 3036260 (VCV003036260.2), dbSNP rs2497620625, ClinGen allele CA2574799190.
Genomic context (GRCh38, chr11:35,265,761, plus strand): 5'-GACTATCCCAGCCCCAAAAGAGTCACCCACAACATTGACTGAAGTTCTCATCCTGTCCCT[G>A]GGGACAAAGAACAGAAAAGGTTCAGTGAGGAAGCAGTATTATGTGGTAGTTGAGAGGTCA-3'

ClinVar aggregate classification (germline): Likely benign (0 of 4 stars; one submission).

Conditions:
SLC1A2-related disorder. Also called: SLC1A2-related condition.

Submission:

PreventionGenetics, part of Exact Sciences
Classification: Likely benign for SLC1A2-related condition. Last evaluated: 2023-10-09. Review status: no assertion criteria provided. Collection method: clinical testing. Allele origin: germline.
Comment: This variant is classified as likely benign based on ACMG/AMP sequence variant interpretation guidelines (Richards et al. 2015 PMID: 25741868, with internal and published modifications).